The following is an entry in ClinVar:

ClinVar aggregate classification (germline): Uncertain significance (1 of 4 stars; one submission).

Allele frequency attached by ClinVar (database versions not stated): ExAC 0.00001; gnomAD exomes 0.00002 and 0.00003; TOPMed 0.00002; gnomAD 0.00004; 1000 Genomes Project 30x 0.00016; 1000 Genomes Project 0.00020.
gnomAD v4.1: 42 of 1,524,182 alleles (0.0028%); highest among the groups gnomAD compares: East Asian, 0.0045%; no homozygotes.

Submission:

Labcorp Genetics (formerly Invitae), Labcorp
Classification: Uncertain significance. Last evaluated: 2024-05-22. Review status: criteria provided, single submitter. Criteria: Invitae Variant Classification Sherloc (09022015). Collection method: clinical testing. Allele origin: germline.
Comment: This sequence change falls in intron 14 of the RINT1 gene. It does not directly change the encoded amino acid sequence of the RINT1 protein. It affects a nucleotide within the consensus splice site. This variant is present in population databases (rs201369477, gnomAD 0.005%). This variant has not been reported in the literature in individuals affected with RINT1-related conditions. ClinVar contains an entry for this variant (Variation ID: 410804). Variants that disrupt the consensus splice site are a relatively common cause of aberrant splicing (PMID: 17576681, 9536098). Algorithms developed to predict the effect of sequence changes on RNA splicing suggest that this variant is not likely to affect RNA splicing. In summary, the available evidence is currently insufficient to determine the role of this variant in disease. Therefore, it has been classified as a Variant of Uncertain Significance.

Literature cited by the submitters: PubMed 17576681; PubMed 9536098.

NM_021930.6(RINT1):c.2186+6C>T

Genes: EFCAB10 (EF-hand calcium binding domain 10; minus strand), RINT1 (RAD50 interactor 1; plus strand). Cytogenetic location: 7q22.3.
Variant type: single nucleotide variant.
Coding change: c.2186+6C>T on transcript NM_021930.6 (MANE Select); 6 bases into the intron after coding-DNA position 2186, C replaced by T.
Molecular consequence: intron variant.
Genome position (GRCh38, 1-based): chr7:105,565,654, C>T. VCF-style: chr7-105565654-C-T. GRCh37 (hg19) VCF-style: chr7-105206101-C-T.
Other names: c.1163+6C>T (NM_001346600.2, NM_001346603.2); c.1262+6C>T (NM_001346601.2); c.1952+6C>T (NM_001346599.2); c.360-207G>A (NM_001355531.2); c.384-207G>A (NM_001355526.2); c.384-39G>A (NM_001355530.2).
Identifiers: ClinVar variation 410804 (VCV000410804.12), dbSNP rs201369477, ClinGen allele CA4426890.